The following continues an entry in ClinVar:

NM_000051.4(ATM):c.1229T>C (p.Val410Ala)

Gene: ATM. ClinVar aggregate classification (germline): Conflicting classifications of pathogenicity. Uncertain significance (2); Benign (10); Likely benign (13).

Submissions 22 to 32 of 32:

Vantari Genetics
Classification: Uncertain significance for Hereditary cancer-predisposing syndrome. Last evaluated: 2016-01-22. Review status: criteria provided, single submitter. Criteria: ACMG Guidelines, 2015. Collection method: clinical testing. Allele origin: germline.

Color Diagnostics, LLC DBA Color Health
Classification: Benign for Hereditary cancer-predisposing syndrome. Last evaluated: 2015-11-05. Review status: criteria provided, single submitter. Criteria: ACMG Guidelines, 2015. Collection method: clinical testing. Allele origin: germline.

Eurofins Ntd Llc (ga)
Classification: Likely benign. Last evaluated: 2015-04-01. Review status: criteria provided, single submitter. Criteria: EGL Classification Definitions 2015. Collection method: clinical testing. Allele origin: germline. Observed: 5 variant alleles, 5 heterozygotes.

Ambry Genetics
Classification: Benign for Hereditary cancer-predisposing syndrome. Last evaluated: 2014-07-13. Review status: criteria provided, single submitter. Criteria: Ambry Variant Classification Scheme 2023. Collection method: clinical testing. Allele origin: germline.

PreventionGenetics, part of Exact Sciences
Classification: Likely benign for ATM-related condition. Last evaluated: 2024-02-12. Review status: no assertion criteria provided. Collection method: clinical testing. Allele origin: germline. Not counted in ClinVar's aggregate classification.
Comment: This variant is classified as likely benign based on ACMG/AMP sequence variant interpretation guidelines (Richards et al. 2015 PMID: 25741868, with internal and published modifications).

Natera, Inc.
Classification: Benign for Ataxia-telangiectasia. Last evaluated: 2020-01-15. Review status: no assertion criteria provided. Collection method: clinical testing. Allele origin: germline. Not counted in ClinVar's aggregate classification.

True Health Diagnostics
Classification: Likely benign for Hereditary cancer-predisposing syndrome. Last evaluated: 2017-11-14. Review status: no assertion criteria provided. Collection method: clinical testing. Allele origin: germline. Not counted in ClinVar's aggregate classification.

Counsyl
Classification: Likely benign for Ataxia-telangiectasia syndrome. Last evaluated: 2017-05-18. Review status: no assertion criteria provided. Collection method: clinical testing. Allele origin: unknown. Not counted in ClinVar's aggregate classification.

ITMI
No classification provided. Condition: AllHighlyPenetrant. Last evaluated: 2013-09-19. Review status: no classification provided. Collection method: reference population. Allele origin: germline. Not counted in ClinVar's aggregate classification.
Comment: Please see associated publication for description of ethnicities

Clinical Genetics DNA and cytogenetics Diagnostics Lab, Erasmus MC, Erasmus Medical Center
Classification: Likely benign. Review status: no assertion criteria provided. Collection method: clinical testing. Allele origin: germline. Affected: yes. Study: VKGL Data-share Consensus. Not counted in ClinVar's aggregate classification.

Department of Pathology and Laboratory Medicine, Sinai Health System
Classification: Likely benign for Carcinoma of colon. Review status: no assertion criteria provided. Collection method: clinical testing. Allele origin: unknown. Affected: yes. Observed: 13 variant alleles. Study: The Canadian Open Genetics Repository (COGR). Not counted in ClinVar's aggregate classification.
Comment: The ATM p.Val410Ala variant was identified in 5 of 1492 proband chromosomes (frequency: 0.003) from Dutch and Austrian individuals or families with breast cancer or ovarian cancer, and individuals with pediatric ALL (acute lymphocytic leukemia), and was identified in 2 of 644 chromosomes (frequency: 0.003) from healthy individuals (Broeks_2008_17393301, Thorstenson_2003_12810666, Liberzon_2004_14695997). The variant was also identified as a somatic mutation in 2 studies screening CRCs and lymphomas (Dallol_2016_ 27146902, Fang_2003_12149228). The variant was identified in dbSNP (ID: rs56128736) â€šÃ„ÃºWith other alleleâ€šÃ„Ã¹, ClinVar (wth conflicting interpretations of pathogenicity; submitters: benign by Ambry Genetics, GeneDx, and Invitae, likely benign by EGL Genetic Diagnostics (Eurofins Clinical Diagnostics), uncertain significance by Vantari Genetics and Genetic Services Laboratory (University of Chicago), and classification not provided by ITMI), Clinvitae (4x), Cosmic (7x in malignant melanoma, lymphoid neoplasm and carcinoma of the lung), LOVD 3.0, and in control databases in 582 (3 homozygous) of 276862 chromosomes at a frequency of 0.002 increasing the likelihood this could be a low frequency benign variant (Genome Aggregation Database Feb 27, 2017). Breakdown of the observations by population include African in 18 of 24018 chromosomes (freq: 0.0007), Other in 14 of 6458 chromosomes (freq: 0.002), Latino in 105 of 34390 chromosomes (freq: 0.003), European Non-Finnish in 401 (2 homozygous) of 126452 chromosomes (freq: 0.003), Ashkenazi Jewish in 41 (1 homozygous) of 10138 chromosomes (freq: 0.004), European Finnish in 3 of 25762 chromosomes (freq: 0.0001), while not observed in the East Asian and South Asian populations. The variant was not identified in GeneInsight-COGR or MutDB. The p.Val410 residue is conserved in mammals and computational analyses (PolyPhen-2, SIFT, AlignGVGD, BLOSUM, MutationTaster) provide inconsistent predictions regarding the impact of the variant Ala to the protein; this information is not very predictive of pathogenicity. The variant occurs outside of the splicing consensus sequence and in silico or computational prediction software programs (SpliceSiteFinder, MaxEntScan, NNSPLICE, GeneSplicer, HumanSpliceFinder) do not predict a difference in splicing. In summary, based on the above information the clinical significance of this variant cannot be determined with certainty at this time although we would lean towards a more benign role for this variant. This variant is classified as likely benign.

Literature cited by the submitters: PubMed 12810666 (cited by 4 submitters); PubMed 17393301 (cited by 4 submitters); PubMed 19781682 (cited by 4 submitters); PubMed 20305132 (cited by Mayo Clinic Laboratories, Mayo Clinic and Women's Health and Genetics/Laboratory Corporation of America, LabCorp); PubMed 21787400 (cited by 3 submitters); PubMed 24416720 (cited by 4 submitters); PubMed 24728327 (cited by 5 submitters); PubMed 25980754 (cited by 3 submitters); PubMed 26898890 (cited by 3 submitters); PubMed 30093976 (cited by Mayo Clinic Laboratories, Mayo Clinic); PubMed 25085752 (cited by Myriad Genetics, Inc.); PubMed 27146902 (cited by Quest Diagnostics Nichols Institute San Juan Capistrano and Athena Diagnostics); PubMed 26207792 (cited by Quest Diagnostics Nichols Institute San Juan Capistrano and Athena Diagnostics); PubMed 24142997 (cited by Quest Diagnostics Nichols Institute San Juan Capistrano and Athena Diagnostics); PubMed 16631465 (cited by 3 submitters); PubMed 17623063 (cited by 3 submitters); PubMed 12882767 (cited by 4 submitters); PubMed 22529920 (cited by 3 submitters); PubMed 14695997 (cited by Quest Diagnostics Nichols Institute San Juan Capistrano and Athena Diagnostics); PubMed 12697903 (cited by 3 submitters); PubMed 21933854 (cited by 3 submitters); PubMed 23091097 (cited by 3 submitters); PubMed 22369572 (cited by Women's Health and Genetics/Laboratory Corporation of America, LabCorp); PubMed 26123645 (cited by Women's Health and Genetics/Laboratory Corporation of America, LabCorp); PubMed 25257301 (cited by Women's Health and Genetics/Laboratory Corporation of America, LabCorp); PubMed 17023046 (cited by Women's Health and Genetics/Laboratory Corporation of America, LabCorp); PubMed 25587027 (cited by Women's Health and Genetics/Laboratory Corporation of America, LabCorp); PubMed 23555315 (cited by Women's Health and Genetics/Laboratory Corporation of America, LabCorp); PubMed 25148578 (cited by Women's Health and Genetics/Laboratory Corporation of America, LabCorp); PubMed 17640065 (cited by Women's Health and Genetics/Laboratory Corporation of America, LabCorp); PubMed 25523272 (cited by Women's Health and Genetics/Laboratory Corporation of America, LabCorp); PubMed 26009992 (cited by Women's Health and Genetics/Laboratory Corporation of America, LabCorp).